The following is an entry in ClinVar:

ClinVar aggregate classification (germline): Pathogenic (1 of 4 stars; one submission).

Conditions:
Sulfite oxidase deficiency due to molybdenum cofactor deficiency type C. Also called: Molybdenum cofactor deficiency, complementation group C; Molybdenum cofactor deficiency C. Identifiers: Orphanet 308400, Orphanet 833, MedGen C1854990, MONDO:0014212, OMIM 615501.

Submission:

Labcorp Genetics (formerly Invitae), Labcorp
Classification: Pathogenic for Sulfite oxidase deficiency due to molybdenum cofactor deficiency type C. Last evaluated: 2023-08-04. Review status: criteria provided, single submitter. Criteria: Invitae Variant Classification Sherloc (09022015). Collection method: clinical testing. Allele origin: germline.
Comment: This variant is a gross deletion of the genomic region encompassing exon(s) 2-4 of the GPHN gene. This deletion is out-of-frame, and is expected to create a premature termination codon and result in an absent or disrupted protein product. Loss-of-function variants in GPHN are known to be pathogenic (PMID: 11095995, 23184456, 23393157, 24561070, 26613940). This variant has not been reported in the literature in individuals affected with GPHN-related conditions. For these reasons, this variant has been classified as Pathogenic.

Literature cited by the submitters: PubMed 11095995; PubMed 23184456; PubMed 23393157; PubMed 24561070; PubMed 26613940.

NC_000014.8:g.(?_67147805)_(67291304_?)del

Gene: GPHN (gephyrin; plus strand). Cytogenetic location: 14q23.3.
Variant type: Deletion.
Identifiers: ClinVar variation 1456692 (VCV001456692.4).